The following is an entry in ClinVar:

ClinVar aggregate classification (germline): Uncertain significance (1 of 4 stars; one submission).

Conditions:
Hereditary cancer-predisposing syndrome. Also called: Neoplastic Syndromes, Hereditary; Tumor predisposition; Hereditary Cancer Syndrome; Hereditary neoplastic syndrome. Identifiers: Orphanet 140162, MedGen C0027672, MeSH D009386, MONDO:0015356.

Submission:

Ambry Genetics
Classification: Uncertain significance for Hereditary cancer-predisposing syndrome. Last evaluated: 2023-10-02. Review status: criteria provided, single submitter. Criteria: Ambry Variant Classification Scheme 2023. Collection method: clinical testing. Allele origin: germline.
Comment: The p.Q435H variant (also known as c.1305G>C), located in coding exon 11 of the MRE11A gene, results from a G to C substitution at nucleotide position 1305. The glutamine at codon 435 is replaced by histidine, an amino acid with highly similar properties. This variant was not reported in population based cohorts in the following databases: Database of Single Nucleotide Polymorphisms (dbSNP), NHLBI Exome Sequencing Project (ESP), and 1000 Genomes Project. In the ESP, this variant was not observed in 6497 samples (12994 alleles) with coverage at this position. To date, this alteration has been detected with an allele frequency of approximately 0.001% (greater than 175000 alleles tested) in our clinical cohort. This amino acid position is well conserved in available vertebrate species. In addition, the in silico prediction for this alteration is inconclusive. Since supporting evidence is limited at this time, the clinical significance of p.Q435H remains unclear.

NM_005591.4(MRE11):c.1305G>C (p.Gln435His)

Gene: MRE11 (MRE11 double strand break repair nuclease; minus strand). Cytogenetic location: 11q21.
Variant type: single nucleotide variant.
Coding change: c.1305G>C on transcript NM_005591.4 (MANE Select); coding-DNA position 1305, G replaced by C.
Protein change: p.Gln435His; replaces glutamine 435 with histidine.
Molecular consequence: missense variant.
Genome position (GRCh38, 1-based): chr11:94,460,957, C>G on the plus strand (G>C on the coding strand, the complement: MRE11 is on the minus strand). VCF-style: chr11-94460957-C-G. GRCh37 (hg19) VCF-style: chr11-94194123-C-G.
Other names: c.1305G>C, p.Gln435His (NM_001330347.2, NM_005590.4); short protein forms Q435H.
Identifiers: ClinVar variation 483609 (VCV000483609.5), dbSNP rs1555009855, ClinGen allele CA382372314.
Genomic context (GRCh38, chr11:94,460,957, plus strand): 5'-AGGTAGCCATTATTCAAAATGTGAACTGTAAGAAATTACCTTCTCTGCGGTTTGAAAGTA[C>G]TGTTTTACAAGATCTTCTACCCTTAAAGTTGTTCCTTCTGAAGGCTTTGTGATAAGTTTC-3'
Protein context (NP_005582.1, residues 425-445): TTLRVEDLVK[Gln435His]YFQTAEKNVQ